The following is an entry in ClinVar:

NM_006979.3(SLC39A7):c.209G>C (p.Ser70Thr)

Gene: SLC39A7 (solute carrier family 39 member 7; plus strand). Cytogenetic location: 6p21.32.
Variant type: single nucleotide variant.
Coding change: c.209G>C on transcript NM_006979.3 (MANE Select); coding-DNA position 209, G replaced by C.
Protein change: p.Ser70Thr; replaces serine 70 with threonine.
Molecular consequence: missense variant. On other transcripts: intron variant (1).
Genome position (GRCh38, 1-based): chr6:33,201,454, G>C. VCF-style: chr6-33201454-G-C. GRCh37 (hg19) VCF-style: chr6-33169231-G-C.
Other names: c.209G>C, p.Ser70Thr (NM_001077516.2); c.52+66G>C (NM_001288777.2); short protein forms S70T.
Identifiers: ClinVar variation 4780691 (VCV004780691.1).
Genomic context (GRCh38, chr6:33,201,454, plus strand): 5'-CACATGAAGATTTCCACCATGGCCACAGCCATGCCCATGGCCATGGCCACACTCACGAGA[G>C]CATCTGGCATGGACATACCCACGATCACGACCATGGACATTCACATGAGGATTTACACCA-3'
Protein context (NP_008910.2, residues 60-80): HAHGHGHTHE[Ser70Thr]IWHGHTHDHD

ClinVar aggregate classification (germline): Uncertain significance (1 of 4 stars; one submission).

Submission:

Labcorp Genetics (formerly Invitae), Labcorp
Classification: Uncertain significance. Last evaluated: 2026-01-05. Review status: criteria provided, single submitter. Criteria: Invitae Variant Classification Sherloc (09022015). Collection method: clinical testing. Allele origin: germline.
Comment: This sequence change replaces serine, which is neutral and polar, with threonine, which is neutral and polar, at codon 70 of the SLC39A7 protein (p.Ser70Thr). This variant is not present in population databases (gnomAD no frequency). This variant has not been reported in the literature in individuals affected with SLC39A7-related conditions. Experimental studies and prediction algorithms are not available or were not evaluated, and the functional significance of this variant is currently unknown. In summary, the available evidence is currently insufficient to determine the role of this variant in disease. Therefore, it has been classified as a Variant of Uncertain Significance.